The following is an entry in ClinVar:

ClinVar aggregate classification (germline): Pathogenic/Likely pathogenic. Review status: criteria provided, multiple submitters, no conflicts (2 of 4 stars). 5 submissions from 5 submitters: Pathogenic (3); Likely pathogenic (1). 1 of the submissions does not count toward it. Last evaluated 2026-07-24.

Conditions:
F8-related disorder. Also called: F8-related condition.
Mild hemophilia A. Identifiers: Orphanet 169808, MedGen C0272324, MONDO:0015721.
Thrombophilia, X-linked, due to factor 8 defect. Also called: Thrombophilia 13, X-linked, due to factor VIII defect; THROMBOPHILIA, X-LINKED, DUE TO FACTOR VIII DEFECT. Identifiers: MedGen C5676879, MONDO:0859082, OMIM 301071.
Hereditary factor VIII deficiency disease (HEMA). Also called: HEMOPHILIA, CLASSIC; Hemophilia A, congenital; HEM A; Factor 8 deficiency, congenital; Hemophilia A; AUTOSOMAL HEMOPHILIA A. Identifiers: Orphanet 98878, MedGen C0019069, MONDO:0010602, OMIM 306700.

Submissions (5):

PreventionGenetics, part of Exact Sciences
Classification: Likely pathogenic for F8-related condition. Last evaluated: 2026-07-24. Review status: criteria provided, single submitter. Criteria: ACMG Guidelines, 2015. Collection method: clinical testing. Allele origin: germline.
Comment: The F8 c.2113+461_2113+473del13 variant is predicted to result in an intronic deletion. This variant, also referred to as [DEL13T] has been reported in multiple individuals with mild hemophilia A (HA) and was shown to segregate in at least 4 HA families (Jourdy et al. 2018. PubMed ID: 29357978). This variant has been reported in 6.1% of mild hemophilia families of French descent, suggesting a possible founder effect (Jourdy et al. 2018. PubMed ID: 29357978). Functional studies, including mRNA analysis, demonstrate aberrant splicing, resulting in inclusion of a 122bp AluY-derived pseudo exon which leads to a frameshift and premature protein termination (p.Gly705Aspfs*37) (Jourdy et al. 2018. PubMed ID: 29357978). This variant has not been reported in a large population database (gnomAD); however, the coverage of this variant should be interpreted with caution. This variant is interpreted as pathogenic in ClinVar (Variation ID: 503494). This variant is interpreted as likely pathogenic.

Women's Health and Genetics/Laboratory Corporation of America, LabCorp
Classification: Pathogenic for Hereditary factor VIII deficiency disease. Last evaluated: 2025-05-05. Review status: criteria provided, single submitter. Criteria: LabCorp Variant Classification Summary - May 2015. Collection method: clinical testing. Allele origin: germline.
Comment: Variant summary: F8 c.2113+461_2113+473del13 is located at a position not widely known to affect splicing. At least one publication reports experimental evidence that this variant affects mRNA splicing. The variant was absent in 1926 control chromosomes. c.2113+461_2113+473del13 has been observed in multiple individuals affected with Factor VIII Deficiency (Hemophilia A). These data indicate that the variant is very likely to be associated with disease. The following publication have been ascertained in the context of this evaluation (PMID: 29357978). ClinVar contains an entry for this variant (Variation ID: 503494). Based on the evidence outlined above, the variant was classified as pathogenic.

CeGaT Center for Human Genetics Tuebingen
Classification: Pathogenic. Last evaluated: 2025-03-01. Review status: criteria provided, single submitter. Criteria: CeGaT Center For Human Genetics Tuebingen Variant Classification Criteria Version 2. Collection method: clinical testing. Allele origin: germline. Affected: yes. Observed: 2 variant alleles.
Comment: F8: PVS1, PS4, PM2

Mendelics
Classification: Pathogenic for Thrombophilia, X-linked, due to factor 8 defect. Last evaluated: 2022-05-04. Review status: criteria provided, single submitter. Criteria: Mendelics Assertion Criteria 2019. Collection method: clinical testing. Allele origin: germline.

OMIM
Classification: Pathogenic for HEMOPHILIA A, MILD. Last evaluated: 2018-03-27. Review status: no assertion criteria provided. Collection method: literature only. Allele origin: germline. Not counted in ClinVar's aggregate classification.

Literature cited by the submitters: PubMed 29357978 (cited by Women's Health and Genetics/Laboratory Corporation of America, LabCorp and OMIM).

NM_000132.4(F8):c.2113+461_2113+473del

Gene: F8 (coagulation factor VIII; minus strand). Cytogenetic location: Xq28.
Variant type: Deletion.
Coding change: c.2113+461_2113+473del on transcript NM_000132.4 (MANE Select); bases 461 to 473 of the intron after coding-DNA position 2113, 13 bases deleted (TTTTTTTTTTTTT).
Molecular consequence: intron variant.
Genome position (GRCh38, 1-based): chrX:154,947,225-154,947,237, AAAAAAAAAAAAA deleted on the plus strand (TTTTTTTTTTTTT on the coding strand, the reverse complement: F8 is on the minus strand); deleting any 13 consecutive bases within chrX:154,947,225-154,947,249 gives the same sequence; the c. name uses the placement nearest the transcript's 3' end. VCF-style (leftmost placement, unchanged base first): chrX-154947224-GAAAAAAAAAAAAA-G. GRCh37 (hg19) VCF-style: chrX-154175499-GAAAAAAAAAAAAA-G.
Other names: F8, 2113+461_2113+473DEL; 2113+461_2113+473DEL; c.2113+461_2113+473del13 (NM_000132.3, NM_000132.4).
Identifiers: ClinVar variation 503494 (VCV000503494.11), dbSNP rs781928603, ClinGen allele CA658799940.